The following is an entry in ClinVar:

ClinVar aggregate classification (germline): Uncertain significance (1 of 4 stars; one submission).

Conditions:
Severe early-onset pulmonary alveolar proteinosis due to MARS deficiency. Also called: PULMONARY ALVEOLAR PROTEINOSIS, REUNION ISLAND; Interstitial lung and liver disease. Identifiers: Orphanet 440427, MedGen C4225400, MONDO:0014206, OMIM 615486.
Charcot-Marie-Tooth disease axonal type 2U. Also called: CHARCOT-MARIE-TOOTH NEUROPATHY, TYPE 2U; CHARCOT-MARIE-TOOTH DISEASE, AXONAL, AUTOSOMAL DOMINANT, TYPE 2U. Identifiers: Orphanet 397735, MedGen C4084821, MONDO:0014566, OMIM 616280.

Allele frequency attached by ClinVar (database versions not stated): gnomAD exomes below 0.00001 and 0.00001; TOPMed below 0.00001; ExAC 0.00001.
gnomAD v4.1: 1 of 1,613,974 alleles (0.000062%); highest among the groups gnomAD compares: Non-Finnish European, 0.000085%; no homozygotes.

Submission:

Labcorp Genetics (formerly Invitae), Labcorp
Classification: Uncertain significance for Charcot-Marie-Tooth disease axonal type 2U; Severe early-onset pulmonary alveolar proteinosis due to MARS deficiency. Last evaluated: 2022-03-19. Review status: criteria provided, single submitter. Criteria: Invitae Variant Classification Sherloc (09022015). Collection method: clinical testing. Allele origin: germline.
Comment: This variant is present in population databases (rs755480968, gnomAD 0.002%). This variant has not been reported in the literature in individuals affected with MARS-related conditions. Algorithms developed to predict the effect of missense changes on protein structure and function (SIFT, PolyPhen-2, Align-GVGD) all suggest that this variant is likely to be tolerated. In summary, the available evidence is currently insufficient to determine the role of this variant in disease. Therefore, it has been classified as a Variant of Uncertain Significance. This sequence change replaces leucine, which is neutral and non-polar, with proline, which is neutral and non-polar, at codon 773 of the MARS protein (p.Leu773Pro).

NM_004990.4(MARS1):c.2318T>C (p.Leu773Pro)

Gene: MARS1 (methionyl-tRNA synthetase 1; plus strand). Cytogenetic location: 12q13.3.
Variant type: single nucleotide variant.
Coding change: c.2318T>C on transcript NM_004990.4 (MANE Select); coding-DNA position 2318, T replaced by C.
Protein change: p.Leu773Pro; replaces leucine 773 with proline.
Molecular consequence: missense variant.
Genome position (GRCh38, 1-based): chr12:57,515,263, T>C. VCF-style: chr12-57515263-T-C. GRCh37 (hg19) VCF-style: chr12-57909046-T-C.
Other names: short protein forms L773P.
Identifiers: ClinVar variation 1681788 (VCV001681788.6), dbSNP rs755480968, ClinGen allele CA6650775.